The following is an entry in ClinVar:

NM_004380.3(CREBBP):c.3739G>A (p.Glu1247Lys)

Gene: CREBBP (CREB binding lysine acetyltransferase; minus strand). Cytogenetic location: 16p13.3.
Variant type: single nucleotide variant.
Coding change: c.3739G>A on transcript NM_004380.3 (MANE Select); coding-DNA position 3739, G replaced by A.
Protein change: p.Glu1247Lys; replaces glutamic acid 1247 with lysine.
Molecular consequence: missense variant.
Genome position (GRCh38, 1-based): chr16:3,751,766, C>T on the plus strand (G>A on the coding strand, the complement: CREBBP is on the minus strand). VCF-style: chr16-3751766-C-T. GRCh37 (hg19) VCF-style: chr16-3801767-C-T.
Other names: c.3625G>A, p.Glu1209Lys (NM_001079846.1); c.3739G>A (NM_004380.2); short protein forms E1209K, E1247K.
Identifiers: ClinVar variation 1049268 (VCV001049268.2), dbSNP rs1567282647, ClinGen allele CA394568051.
Genomic context (GRCh38, chr16:3,751,766, plus strand): 5'-AATGACAGGACGGTACTTACGTCTGGGGCTGTGAAGGGTCGTCACCCAGGGTCACATTCT[C>T]GCCCTGGATCTCTGTGAAACACTTCTCACAGAAATGATACCTGTCAGCAAGAAGGCCATA-3'
Protein context (NP_004371.2, residues 1237-1257): CEKCFTEIQG[Glu1247Lys]NVTLGDDPSQ

ClinVar aggregate classification (germline): Uncertain significance. Review status: criteria provided, single submitter (1 of 4 stars). 2 submissions from 2 submitters: Uncertain significance (1). 1 of the submissions does not count toward it. Last evaluated 2025-12-23.

Conditions:
CREBBP-related disorder. Also called: CREBBP-related condition; CREBBP-related disorders.

Allele frequency attached by ClinVar (database versions not stated): gnomAD exomes below 0.00001.
gnomAD v4.1: 5 of 1,614,160 alleles (0.00031%); highest among the groups gnomAD compares: Non-Finnish European, 0.00042%; no homozygotes.

Submissions (2):

PreventionGenetics, part of Exact Sciences
Classification: Uncertain significance for CREBBP-related condition. Last evaluated: 2025-12-23. Review status: criteria provided, single submitter. Criteria: ACMG Guidelines, 2015. Collection method: clinical testing. Allele origin: germline.
Comment: The CREBBP c.3739G>A variant is predicted to result in the amino acid substitution p.Glu1247Lys. To our knowledge, this variant has not been reported in the literature. This variant is reported in 0.00088% of alleles in individuals of European (Non-Finnish) descent in gnomAD. At this time, the clinical significance of this variant is uncertain due to the absence of conclusive functional and genetic evidence.

Department of Pathology and Laboratory Medicine, Sinai Health System
Classification: Uncertain significance. Review status: no assertion criteria provided. Collection method: clinical testing. Allele origin: unknown. Affected: yes. Study: The Canadian Open Genetics Repository (COGR). Not counted in ClinVar's aggregate classification.
Comment: The CREBBP p.Glu1247Lys variant was not identified in the literature nor was it identified in dbSNP or ClinVar. The variant was identified in control databases in 1 of 251472 chromosomes at a frequency of 0.000003977 (Genome Aggregation Database March 6, 2019, v2.1.1). The variant was observed in the European (non-Finnish) population in 1 of 113752 chromosomes (freq: 0.000009), but was not observed in the African, Latino, Ashkenazi Jewish, East Asian, European (Finnish), Other, or South Asian populations. The p.Glu1247 residue is conserved in mammals and computational analyses (PolyPhen-2, SIFT, AlignGVGD, BLOSUM, MutationTaster) provide inconsistent predictions regarding the impact to the protein; this information is not very predictive of pathogenicity. The variant occurs outside of the splicing consensus sequence and three of four in silico or computational prediction software programs (SpliceSiteFinder, MaxEntScan, NNSPLICE, GeneSplicer) do not predict a greater than 10% difference in splicing; this is not very predictive of pathogenicity. In summary, based on the above information the clinical significance of this variant cannot be determined with certainty at this time. This variant is classified as a variant of uncertain significance.